The following is an entry in ClinVar:

NM_181426.2(CCDC39):c.1999-3T>C

Gene: CCDC39 (coiled-coil domain 39 molecular ruler complex subunit; minus strand). Cytogenetic location: 3q26.33.
Variant type: single nucleotide variant.
Coding change: c.1999-3T>C on transcript NM_181426.2 (MANE Select); 3 bases into the intron before coding-DNA position 1999, T replaced by C.
Molecular consequence: intron variant.
Genome position (GRCh38, 1-based): chr3:180,619,973, A>G on the plus strand (T>C on the coding strand, the complement: CCDC39 is on the minus strand). VCF-style: chr3-180619973-A-G. GRCh37 (hg19) VCF-style: chr3-180337761-A-G.
Identifiers: ClinVar variation 1907259 (VCV001907259.3), dbSNP rs758649358, ClinGen allele CA2715789.

ClinVar aggregate classification (germline): Uncertain significance (1 of 4 stars; one submission).

Conditions:
Primary ciliary dyskinesia. Also called: Ciliary dyskinesia. Identifiers: Orphanet 244, MedGen C0008780, MONDO:0016575, HP:0012265.

Allele frequency attached by ClinVar (database versions not stated): gnomAD 0.00001; gnomAD exomes 0.00002; ExAC 0.00007.
gnomAD v4.1: 27 of 1,599,580 alleles (0.0017%); highest among the groups gnomAD compares: South Asian, 0.022%; no homozygotes.

Submission:

Labcorp Genetics (formerly Invitae), Labcorp
Classification: Uncertain significance for Primary ciliary dyskinesia. Last evaluated: 2025-07-07. Review status: criteria provided, single submitter. Criteria: Invitae Variant Classification Sherloc (09022015). Collection method: clinical testing. Allele origin: germline.
Comment: This sequence change falls in intron 14 of the CCDC39 gene. It does not directly change the encoded amino acid sequence of the CCDC39 protein. It affects a nucleotide within the consensus splice site. This variant is present in population databases (rs758649358, gnomAD 0.03%). This variant has not been reported in the literature in individuals affected with CCDC39-related conditions. ClinVar contains an entry for this variant (Variation ID: 1907259). Variants that disrupt the consensus splice site are a relatively common cause of aberrant splicing (PMID: 17576681, 9536098). Algorithms developed to predict the effect of sequence changes on RNA splicing suggest that this variant is not likely to affect RNA splicing. In summary, the available evidence is currently insufficient to determine the role of this variant in disease. Therefore, it has been classified as a Variant of Uncertain Significance.

Literature cited by the submitters: PubMed 17576681; PubMed 9536098.